The following is an entry in ClinVar:

NM_021076.4(NEFH):c.2339A>G (p.Lys780Arg)

Gene: NEFH (neurofilament heavy chain; plus strand). Cytogenetic location: 22q12.2.
Variant type: single nucleotide variant.
Coding change: c.2339A>G on transcript NM_021076.4 (MANE Select); coding-DNA position 2339, A replaced by G.
Protein change: p.Lys780Arg; replaces lysine 780 with arginine.
Molecular consequence: missense variant.
Genome position (GRCh38, 1-based): chr22:29,489,979, A>G. VCF-style: chr22-29489979-A-G. GRCh37 (hg19) VCF-style: chr22-29885968-A-G.
Other names: c.2339A>G (NM_021076.3); short protein forms K780R.
Identifiers: ClinVar variation 1966431 (VCV001966431.6), dbSNP rs778369534, ClinGen allele CA10174407.

ClinVar aggregate classification (germline): Uncertain significance. Review status: criteria provided, multiple submitters, no conflicts (2 of 4 stars). 2 submissions from 2 submitters: Uncertain significance (2). Last evaluated 2025-08-27.

Conditions:
Inborn genetic diseases. Identifiers: MedGen C0950123, MeSH D030342.

Allele frequency attached by ClinVar (database versions not stated): ExAC 0.00001; gnomAD 0.00001; gnomAD exomes 0.00001; TOPMed 0.00001.
gnomAD v4.1: 14 of 1,613,664 alleles (0.00087%); highest among the groups gnomAD compares: African/African-American, 0.0013%; no homozygotes.

Submissions (2):

Ambry Genetics
Classification: Uncertain significance for Inborn genetic diseases. Last evaluated: 2025-08-27. Review status: criteria provided, single submitter. Criteria: Ambry Variant Classification Scheme 2023. Collection method: clinical testing. Allele origin: germline.

Labcorp Genetics (formerly Invitae), Labcorp
Classification: Uncertain significance. Last evaluated: 2023-05-26. Review status: criteria provided, single submitter. Criteria: Invitae Variant Classification Sherloc (09022015). Collection method: clinical testing. Allele origin: germline.
Comment: ClinVar contains an entry for this variant (Variation ID: 1966431). In summary, the available evidence is currently insufficient to determine the role of this variant in disease. Therefore, it has been classified as a Variant of Uncertain Significance. Advanced modeling of protein sequence and biophysical properties (such as structural, functional, and spatial information, amino acid conservation, physicochemical variation, residue mobility, and thermodynamic stability) performed at Invitae indicates that this missense variant is not expected to disrupt NEFH protein function. This variant has not been reported in the literature in individuals affected with NEFH-related conditions. This variant is present in population databases (rs778369534, gnomAD 0.0009%). This sequence change replaces lysine, which is basic and polar, with arginine, which is basic and polar, at codon 780 of the NEFH protein (p.Lys780Arg).